The following is an entry in ClinVar:

ClinVar aggregate classification (germline): Uncertain significance. Review status: criteria provided, multiple submitters, no conflicts (2 of 4 stars). 3 submissions from 3 submitters: Uncertain significance (3). Last evaluated 2024-10-05.

Conditions:
Hereditary cancer-predisposing syndrome. Also called: Neoplastic Syndromes, Hereditary; Hereditary neoplastic syndrome; Tumor predisposition; Hereditary Cancer Syndrome. Identifiers: Orphanet 140162, MedGen C0027672, MeSH D009386, MONDO:0015356.
Basal cell carcinoma, susceptibility to, 1. Also called: BCC1. Identifiers: MedGen C2751544, MONDO:0011556, OMIM 605462.
Gorlin syndrome. Also called: Basal cell nevus syndrome; Nevoid Basal Cell Carcinoma Syndrome. Identifiers: Orphanet 377, MedGen C0004779, MONDO:0007187.

Submissions (3):

Ambry Genetics
Classification: Uncertain significance for Hereditary cancer-predisposing syndrome. Last evaluated: 2024-10-05. Review status: criteria provided, single submitter. Criteria: Ambry Variant Classification Scheme 2023. Collection method: clinical testing. Allele origin: germline.
Comment: The p.S1132T variant (also known as c.3394T>A), located in coding exon 20 of the PTCH1 gene, results from a T to A substitution at nucleotide position 3394. The serine at codon 1132 is replaced by threonine, an amino acid with similar properties. This amino acid position is highly conserved in available vertebrate species. In addition, this alteration is predicted to be deleterious by in silico analysis. Based on the available evidence, the clinical significance of this variant remains unclear.

Baylor Genetics
Classification: Uncertain significance for Basal cell carcinoma, susceptibility to, 1. Last evaluated: 2023-05-04. Review status: criteria provided, single submitter. Criteria: ACMG Guidelines, 2015. Collection method: clinical testing. Allele origin: unknown.

Labcorp Genetics (formerly Invitae), Labcorp
Classification: Uncertain significance for Gorlin syndrome. Last evaluated: 2019-11-25. Review status: criteria provided, single submitter. Criteria: Invitae Variant Classification Sherloc (09022015). Collection method: clinical testing. Allele origin: germline.
Comment: This sequence change replaces serine with threonine at codon 1132 of the PTCH1 protein (p.Ser1132Thr). The serine residue is moderately conserved and there is a small physicochemical difference between serine and threonine. This variant is not present in population databases (ExAC no frequency). This variant has not been reported in the literature in individuals with PTCH1-related conditions. Algorithms developed to predict the effect of missense changes on protein structure and function are either unavailable or do not agree on the potential impact of this missense change (SIFT: "Tolerated"; PolyPhen-2: "Probably Damaging"; Align-GVGD: "Class C0"). This variant disrupts the p.Ser1132 amino acid residue in PTCH1. Other variant(s) that disrupt this residue have been determined to be pathogenic (PMID: 11231326, 23951062, 8840969). This suggests that this residue is clinically significant, and that variants that disrupt this residue are likely to be disease-causing. In summary, the available evidence is currently insufficient to determine the role of this variant in disease. Therefore, it has been classified as a Variant of Uncertain Significance.

Literature cited by the submitters: PubMed 11231326 (cited by Labcorp Genetics (formerly Invitae), Labcorp); PubMed 23951062 (cited by Labcorp Genetics (formerly Invitae), Labcorp); PubMed 8840969 (cited by Labcorp Genetics (formerly Invitae), Labcorp).

NM_000264.5(PTCH1):c.3394T>A (p.Ser1132Thr)

Gene: PTCH1 (patched 1; minus strand). Cytogenetic location: 9q22.32.
Variant type: single nucleotide variant.
Coding change: c.3394T>A on transcript NM_000264.5 (MANE Select); coding-DNA position 3394, T replaced by A.
Protein change: p.Ser1132Thr; replaces serine 1132 with threonine.
Molecular consequence: missense variant. On other transcripts: non-coding transcript variant (1).
Genome position (GRCh38, 1-based): chr9:95,453,533, A>T on the plus strand (T>A on the coding strand, the complement: PTCH1 is on the minus strand). VCF-style: chr9-95453533-A-T. GRCh37 (hg19) VCF-style: chr9-98215815-A-T.
Other names: c.3196T>A, p.Ser1066Thr (NM_001083602.3); c.3391T>A, p.Ser1131Thr (NM_001083603.3); c.2941T>A, p.Ser981Thr (NM_001083604.3, NM_001083605.3, NM_001083606.3 and 1 more transcripts); c.3238T>A, p.Ser1080Thr (NM_001354918.2); short protein forms S1080T, S1132T, S1066T, S1131T, S981T.
Identifiers: ClinVar variation 835140 (VCV000835140.12), dbSNP rs878853856, ClinGen allele CA374111760.
Genomic context (GRCh38, chr9:95,453,533, plus strand): 5'-CTTACCTGACAATGAAGTCGAACTCAGATCCCGCCAGCATCAGCACTCCCAGCAGAGTGG[A>T]CACGGCGCCATCCAGGACGGGTGCAAACATGTGCTCCAGGGCAAGCACAGCCCTGCGGTT-3'
Protein context (NP_000255.2, residues 1122-1142): MFAPVLDGAV[Ser1132Thr]TLLGVLMLAG